The following is an entry in ClinVar:

ClinVar aggregate classification (germline): Likely benign. Review status: criteria provided, multiple submitters, no conflicts (2 of 4 stars). 4 submissions from 4 submitters: Likely benign (4). Last evaluated 2026-07-01.

Conditions:
Intellectual disability. Also called: Intellectual developmental disorder; Intellectual functioning disability; intellectual disabilities. Identifiers: MedGen C3714756, MeSH D008607, MONDO:0001071, HP:0001249.
Inborn genetic diseases. Identifiers: MedGen C0950123, MeSH D030342.

Allele frequency attached by ClinVar (database versions not stated): ESP Exome Variant Server 0.00015; 1000 Genomes Project 30x 0.00016; gnomAD 0.00017; 1000 Genomes Project 0.00020; gnomAD exomes 0.00020; ExAC 0.00011; TOPMed 0.00014.
gnomAD v4.1: 315 of 1,612,976 alleles (0.02%); highest among the groups gnomAD compares: Non-Finnish European, 0.026%; no homozygotes.

Submissions (4):

CeGaT Center for Human Genetics Tuebingen
Classification: Likely benign. Last evaluated: 2026-07-01. Review status: criteria provided, single submitter. Criteria: CeGaT Center For Human Genetics Tuebingen Variant Classification Criteria Version 2. Collection method: clinical testing. Allele origin: germline. Affected: yes. Observed: 3 variant alleles.
Comment: AHDC1: BS1

Ambry Genetics
Classification: Likely benign for Inborn genetic diseases. Last evaluated: 2025-03-09. Review status: criteria provided, single submitter. Criteria: Ambry Variant Classification Scheme 2023. Collection method: clinical testing. Allele origin: germline.

Labcorp Genetics (formerly Invitae), Labcorp
Classification: Likely benign. Last evaluated: 2024-11-21. Review status: criteria provided, single submitter. Criteria: Invitae Variant Classification Sherloc (09022015). Collection method: clinical testing. Allele origin: germline.

Cambridge Genomics Laboratory, East Genomic Laboratory Hub, NHS Genomic Medicine Service
Classification: Likely benign for Intellectual disability. Last evaluated: 2019-11-08. Review status: criteria provided, single submitter. Criteria: ACGS Best Practice Guidelines for Variant Classification in Rare Disease 2020. Collection method: clinical testing. Allele origin: germline. Affected: yes. Observed: 1 variant allele.

NM_001371928.1(AHDC1):c.3326C>T (p.Pro1109Leu)

Gene: AHDC1 (AT-hook DNA binding motif containing 1; minus strand). Cytogenetic location: 1p36.11.
Variant type: single nucleotide variant.
Coding change: c.3326C>T on transcript NM_001371928.1 (MANE Select); coding-DNA position 3326, C replaced by T.
Protein change: p.Pro1109Leu; replaces proline 1109 with leucine.
Molecular consequence: missense variant.
Genome position (GRCh38, 1-based): chr1:27,548,790, G>A on the plus strand (C>T on the coding strand, the complement: AHDC1 is on the minus strand). VCF-style: chr1-27548790-G-A. GRCh37 (hg19) VCF-style: chr1-27875301-G-A.
Other names: c.3326C>T (NM_001029882.2); c.3326C>T, p.Pro1109Leu (NM_001029882.3); short protein forms P1109L.
Identifiers: ClinVar variation 2038170 (VCV002038170.30), dbSNP rs200495289, ClinGen allele CA715573.
Genomic context (GRCh38, chr1:27,548,790, plus strand): 5'-TTGTAGAGCTGACTAAAGGCCTCTGAGGCCCAGTCCAGGCCTCCATAGCCCTGCCGGAAA[G>A]GCCACTGAGAAGCCCCCGCAAACTGCCGACAGTTCTCGGGCGAGGGCTGGAAGGAGGAGG-3'
Protein context (NP_001358857.1, residues 1099-1119): CRQFAGASQW[Pro1109Leu]FRQGYGGLDW